The following is an entry in ClinVar:

NM_002693.3(POLG):c.869G>A (p.Arg290His)

Gene: POLG (DNA polymerase gamma, catalytic subunit; minus strand). Cytogenetic location: 15q26.1.
Variant type: single nucleotide variant.
Coding change: c.869G>A on transcript NM_002693.3 (MANE Select); coding-DNA position 869, G replaced by A.
Protein change: p.Arg290His; replaces arginine 290 with histidine.
Molecular consequence: missense variant.
Genome position (GRCh38, 1-based): chr15:89,329,097, C>T on the plus strand (G>A on the coding strand, the complement: POLG is on the minus strand). VCF-style: chr15-89329097-C-T. GRCh37 (hg19) VCF-style: chr15-89872328-C-T.
Other names: c.869G>A, p.Arg290His (NM_001126131.2); short protein forms R290H.
Identifiers: ClinVar variation 648222 (VCV000648222.14), dbSNP rs146603953, ClinGen allele CA7725009.
Genomic context (GRCh38, chr15:89,329,097, plus strand): 5'-CTGCGCTGGAAGCTGCTTAGCCCTGAGATGGCCATGTGCATGCTCATGGTGTCCAGGAAA[C>T]GCATGCGGGAACCCTGAGGAGGAGGAGGAGAAAAGGGAAGGGAAGGAGGGAGGCTGCAAC-3'
Protein context (NP_002684.1, residues 280-300): EQYLIQGSRM[Arg290His]FLDTMSMHMA

ClinVar aggregate classification (germline): Uncertain significance. Review status: criteria provided, multiple submitters, no conflicts (2 of 4 stars). 6 submissions from 6 submitters: Uncertain significance (6). Last evaluated 2026-06-14.

Conditions:
Progressive sclerosing poliodystrophy (MTDPS4A). Also called: Mitochondrial DNA Depletion Syndrome 4A; ALPERS PROGRESSIVE INFANTILE POLIODYSTROPHY; Alpers Syndrome; NEURONAL DEGENERATION OF CHILDHOOD WITH LIVER DISEASE, PROGRESSIVE; Alpers-Huttenlocher Syndrome (AHS); ALPERS DIFFUSE DEGENERATION OF CEREBRAL GRAY MATTER WITH HEPATIC CIRRHOSIS. Identifiers: Orphanet 726, MedGen C0205710, MONDO:0008758, OMIM 203700.
Mitochondrial DNA depletion syndrome 4b. Also called: Mitochondrial Neurogastrointestinal Encephalopathy Disease, POLG-Related; MNGIE, POLG-RELATED. Identifiers: Orphanet 298, MedGen C3150914, MONDO:0013350, OMIM 613662.
Mitochondrial DNA depletion syndrome 1. Also called: Mitochondrial DNA Depletion Syndrome, MNGIE Form; Mitochondrial neurogastrointestinal encephalomyopathy syndrome; POLIP SYNDROME; POLYNEUROPATHY, OPHTHALMOPLEGIA, LEUKOENCEPHALOPATHY, AND INTESTINAL PSEUDOOBSTRUCTION; Mitochondrial DNA depletion syndrome 1 (MNGIE type); Mitochondrial Neurogastrointestinal Encephalopathy Disease. Identifiers: Orphanet 298, MedGen C4551995, MONDO:0011283, OMIM 603041.
Sensory ataxic neuropathy, dysarthria, and ophthalmoparesis (SANDO). Also called: Epilepsy, progressive myoclonic, type 5; Sensory ataxic neuropathy-dysarthria-ophthalmoparesis syndrome; SENSORY ATAXIC NEUROPATHY WITH MITOCHONDRIAL DNA DELETIONS, AUTOSOMAL RECESSIVE; Ataxia Neuropathy Spectrum (ANS). Identifiers: Orphanet 70595, MedGen C1843851, MONDO:0011835, OMIM 607459.
Progressive external ophthalmoplegia with mitochondrial DNA deletions, autosomal dominant 1 (PEOA1). Also called: Autosomal Dominant Progressive External Ophthalmoplegia (adPEO); PROGRESSIVE EXTERNAL OPHTHALMOPLEGIA, AUTOSOMAL DOMINANT 1. Identifiers: MedGen C1834846, MONDO:0024528, OMIM 157640.
Progressive external ophthalmoplegia with mitochondrial DNA deletions, autosomal recessive 1 (PEOB1). Also called: Progressive external ophthalmoplegia, autosomal recessive 1; Autosomal Recessive Progressive External Ophthalmoplegia (arPEO). Identifiers: Orphanet 254886, MedGen C4225153, MONDO:0009783, OMIM 258450.
POLG-related disorder. Also called: POLG-Related Spectrum Disorders; POLG-related condition; POLG-Related Disorders. Identifiers: MedGen C4763519.

Allele frequency attached by ClinVar (database versions not stated): gnomAD 0.00001; gnomAD exomes 0.00001 and 0.00004; TOPMed 0.00003; ExAC 0.00004; ESP Exome Variant Server 0.00008.
gnomAD v4.1: 17 of 1,612,072 alleles (0.0011%); highest among the groups gnomAD compares: East Asian, 0.011%; no homozygotes.

Submissions (6):

PreventionGenetics, part of Exact Sciences
Classification: Uncertain significance for POLG-related condition. Last evaluated: 2026-06-14. Review status: criteria provided, single submitter. Criteria: ACMG Guidelines, 2015. Collection method: clinical testing. Allele origin: germline.
Comment: The POLG c.869G>A variant is predicted to result in the amino acid substitution p.Arg290His. To our knowledge, this variant has not been reported in the literature. This variant is reported in 0.044% of alleles in individuals of East Asian descent in gnomAD. A different nucleotide substitution affecting the same amino acid (p.Arg290Cys) has been reported in individuals with POLG-related disorders (Kaliszewska et al. 2015. PubMed ID: 26077851). At this time, the clinical significance of the c.869G>A (p.Arg290His) variant is uncertain due to the absence of conclusive functional and genetic evidence.

Labcorp Genetics (formerly Invitae), Labcorp
Classification: Uncertain significance for Progressive sclerosing poliodystrophy. Last evaluated: 2025-10-14. Review status: criteria provided, single submitter. Criteria: Invitae Variant Classification Sherloc (09022015). Collection method: clinical testing. Allele origin: germline.
Comment: This sequence change replaces arginine, which is basic and polar, with histidine, which is basic and polar, at codon 290 of the POLG protein (p.Arg290His). This variant is present in population databases (rs146603953, gnomAD 0.05%). This missense change has been observed in individual(s) with clinical features of POLG associated conditions (PMID: 37510298, 38871447). ClinVar contains an entry for this variant (Variation ID: 648222). Invitae Evidence Modeling of protein sequence and biophysical properties (such as structural, functional, and spatial information, amino acid conservation, physicochemical variation, residue mobility, and thermodynamic stability) indicates that this missense variant is expected to disrupt POLG protein function with a positive predictive value of 95%. In summary, the available evidence is currently insufficient to determine the role of this variant in disease. Therefore, it has been classified as a Variant of Uncertain Significance.

Dasa
Classification: Uncertain significance. Last evaluated: 2025-06-20. Review status: criteria provided, single submitter. Criteria: DASA Assertion Criteria. Collection method: clinical testing. Allele origin: germline.
Comment: NM_002693.3(POLG):c.869G>A (p.Arg290His) is a missense variant that results in the substitution of arginine with histidine. This variant has been observed in affected individuals with POLG-related disorders. Also, this variant is rare in population databases. Computational prediction algorithms are consistent with a deleterious effect. The currently available literature and clinical evidence are not sufficient to establish a definitive association between this variant and the reported condition. Therefore, this variant is classified as a variant of uncertain significance.

Revvity Omics, Revvity
Classification: Uncertain significance. Last evaluated: 2024-04-23. Review status: criteria provided, single submitter. Criteria: ACMG Guidelines, 2015. Collection method: clinical testing. Allele origin: germline.

Athena Diagnostics
Classification: Uncertain significance. Last evaluated: 2022-07-11. Review status: criteria provided, single submitter. Criteria: Athena Diagnostics Criteria. Collection method: clinical testing. Allele origin: unknown.

Fulgent Genetics
Classification: Uncertain significance for Progressive external ophthalmoplegia with mitochondrial DNA deletions, autosomal dominant 1; Progressive sclerosing poliodystrophy; Progressive external ophthalmoplegia with mitochondrial DNA deletions, autosomal recessive 1; Mitochondrial DNA depletion syndrome 1; Sensory ataxic neuropathy, dysarthria, and ophthalmoparesis; Mitochondrial DNA depletion syndrome 4b. Last evaluated: 2021-07-26. Review status: criteria provided, single submitter. Criteria: ACMG Guidelines, 2015. Collection method: clinical testing. Allele origin: unknown.

Literature cited by the submitters: PubMed 37510298 (cited by Labcorp Genetics (formerly Invitae), Labcorp); PubMed 38871447 (cited by Labcorp Genetics (formerly Invitae), Labcorp).